The following is an entry in ClinVar:

NM_016824.5(ADD3):c.1300C>T (p.Arg434Cys)

Gene: ADD3 (adducin 3; plus strand). Cytogenetic location: 10q25.2.
Variant type: single nucleotide variant.
Coding change: c.1300C>T on transcript NM_016824.5 (MANE Select); coding-DNA position 1300, C replaced by T.
Protein change: p.Arg434Cys; replaces arginine 434 with cysteine.
Molecular consequence: missense variant.
Genome position (GRCh38, 1-based): chr10:110,124,173, C>T. VCF-style: chr10-110124173-C-T. GRCh37 (hg19) VCF-style: chr10-111883931-C-T.
Other names: c.1300C>T, p.Arg434Cys (NM_001121.4, NM_001320591.2, NM_001320592.2 and 2 more transcripts); c.1066C>T, p.Arg356Cys (NM_001320594.2); short protein forms R356C, R434C.
Identifiers: ClinVar variation 2420031 (VCV002420031.6), dbSNP rs1368865434, ClinGen allele CA378372870.

ClinVar aggregate classification (germline): Uncertain significance (1 of 4 stars; one submission).

Allele frequency attached by ClinVar (database versions not stated): TOPMed below 0.00001; gnomAD exomes 0.00001; gnomAD 0.00002.
gnomAD v4.1: 22 of 1,613,988 alleles (0.0014%); highest among the groups gnomAD compares: African/African-American, 0.0027%; no homozygotes.

Submission:

Labcorp Genetics (formerly Invitae), Labcorp
Classification: Uncertain significance. Last evaluated: 2023-10-13. Review status: criteria provided, single submitter. Criteria: Invitae Variant Classification Sherloc (09022015). Collection method: clinical testing. Allele origin: germline.
Comment: This sequence change replaces arginine with cysteine at codon 434 of the ADD3 protein (p.Arg434Cys). The arginine residue is moderately conserved and there is a large physicochemical difference between arginine and cysteine. This variant is present in population databases (no rsID available, gnomAD 0.004%). This variant has not been reported in the literature in individuals affected with ADD3-related conditions. ClinVar contains an entry for this variant (Variation ID: 2420031). Advanced modeling of protein sequence and biophysical properties (such as structural, functional, and spatial information, amino acid conservation, physicochemical variation, residue mobility, and thermodynamic stability) has been performed at Invitae for this missense variant, however the output from this modeling did not meet the statistical confidence thresholds required to predict the impact of this variant on ADD3 protein function. In summary, the available evidence is currently insufficient to determine the role of this variant in disease. Therefore, it has been classified as a Variant of Uncertain Significance.